The following is an entry in ClinVar:

ClinVar aggregate classification (germline): Uncertain significance (1 of 4 stars; one submission).

Conditions:
Cardiovascular phenotype. Identifiers: MedGen CN230736.

Submission:

Ambry Genetics
Classification: Uncertain significance for Cardiovascular phenotype. Last evaluated: 2026-01-14. Review status: criteria provided, single submitter. Criteria: Ambry Variant Classification Scheme 2023. Collection method: clinical testing. Allele origin: germline.
Comment: The p.L65P variant (also known as c.194T>C), located in coding exon 2 of the SPRED1 gene, results from a T to C substitution at nucleotide position 194. The leucine at codon 65 is replaced by proline, an amino acid with similar properties. This amino acid position is conserved. In addition, this alteration is predicted to be deleterious by in silico analysis. Based on the available evidence, the clinical significance of this variant remains unclear.

NM_152594.3(SPRED1):c.194T>C (p.Leu65Pro)

Gene: SPRED1 (sprouty related EVH1 domain containing 1; plus strand). Cytogenetic location: 15q14.
Variant type: single nucleotide variant.
Coding change: c.194T>C on transcript NM_152594.3 (MANE Select); coding-DNA position 194, T replaced by C.
Protein change: p.Leu65Pro; replaces leucine 65 with proline.
Molecular consequence: missense variant.
Genome position (GRCh38, 1-based): chr15:38,299,534, T>C. VCF-style: chr15-38299534-T-C. GRCh37 (hg19) VCF-style: chr15-38591735-T-C.
Other names: short protein forms L65P.
Identifiers: ClinVar variation 4843977 (VCV004843977.1).